The following is an entry in ClinVar:

ClinVar aggregate classification (germline): Uncertain significance (1 of 4 stars; one submission).

Conditions:
Myofibrillar myopathy 6. Identifiers: Orphanet 199340, MedGen C2751831, MONDO:0013061, OMIM 612954.
Dilated cardiomyopathy 1HH (CMD1HH). Identifiers: Orphanet 154, MedGen C3151293, MONDO:0013479, OMIM 613881.

gnomAD v4.1: 1 of 1,614,102 alleles (0.000062%); highest among the groups gnomAD compares: Admixed American, 0.0017%; no homozygotes.

Submission:

Labcorp Genetics (formerly Invitae), Labcorp
Classification: Uncertain significance for Dilated cardiomyopathy 1HH; Myofibrillar myopathy 6. Last evaluated: 2024-04-17. Review status: criteria provided, single submitter. Criteria: Invitae Variant Classification Sherloc (09022015). Collection method: clinical testing. Allele origin: germline.
Comment: This sequence change replaces histidine, which is basic and polar, with tyrosine, which is neutral and polar, at codon 199 of the BAG3 protein (p.His199Tyr). This variant is present in population databases (rs780054019, gnomAD 0.003%). This variant has not been reported in the literature in individuals affected with BAG3-related conditions. Advanced modeling of protein sequence and biophysical properties (such as structural, functional, and spatial information, amino acid conservation, physicochemical variation, residue mobility, and thermodynamic stability) performed at Invitae indicates that this missense variant is not expected to disrupt BAG3 protein function with a negative predictive value of 80%. In summary, the available evidence is currently insufficient to determine the role of this variant in disease. Therefore, it has been classified as a Variant of Uncertain Significance.

NM_004281.4(BAG3):c.595C>T (p.His199Tyr)

Gene: BAG3 (BAG cochaperone 3; plus strand). Cytogenetic location: 10q26.11.
Variant type: single nucleotide variant.
Coding change: c.595C>T on transcript NM_004281.4 (MANE Select); coding-DNA position 595, C replaced by T.
Protein change: p.His199Tyr; replaces histidine 199 with tyrosine.
Molecular consequence: missense variant.
Genome position (GRCh38, 1-based): chr10:119,672,342, C>T. VCF-style: chr10-119672342-C-T. GRCh37 (hg19) VCF-style: chr10-121431854-C-T.
Other names: short protein forms H199Y.
Identifiers: ClinVar variation 3755905 (VCV003755905.2).
Genomic context (GRCh38, chr10:119,672,342, plus strand): 5'-TGCTCATCCTCATCCTCCTCGGCCAGCCTGCCTTCCTCCGGCAGGAGCAGCCTGGGCAGT[C>T]ACCAGCTCCCGCGGGGGTACATCTCCATTCCGGTGATACACGAGCAGAACGTTACCCGGC-3'
Protein context (NP_004272.2, residues 189-209): PSSGRSSLGS[His199Tyr]QLPRGYISIP